The following is an entry in ClinVar:

NM_001130009.3(GEN1):c.416G>T (p.Cys139Phe)

Gene: GEN1 (GEN1 Holliday junction 5' flap endonuclease; plus strand). Cytogenetic location: 2p24.2.
Variant type: single nucleotide variant.
Coding change: c.416G>T on transcript NM_001130009.3 (MANE Select); coding-DNA position 416, G replaced by T.
Protein change: p.Cys139Phe; replaces cysteine 139 with phenylalanine.
Molecular consequence: missense variant.
Genome position (GRCh38, 1-based): chr2:17,764,964, G>T. VCF-style: chr2-17764964-G-T. GRCh37 (hg19) VCF-style: chr2-17946231-G-T.
Other names: c.416G>T, p.Cys139Phe (NM_182625.5); short protein forms C139F.
Identifiers: ClinVar variation 3519739 (VCV003519739.1).

ClinVar aggregate classification (germline): Uncertain significance (1 of 4 stars; one submission).

gnomAD v4.1: 2 of 1,614,060 alleles (0.00012%); highest among the groups gnomAD compares: African/African-American, 0.0027%; no homozygotes.

Submission:

Ambry Genetics
Classification: Uncertain significance. Last evaluated: 2024-11-23. Review status: criteria provided, single submitter. Criteria: Ambry Variant Classification Scheme 2023. Collection method: clinical testing. Allele origin: germline.
Comment: The p.C139F variant (also known as c.416G>T), located in coding exon 3 of the GEN1 gene, results from a G to T substitution at nucleotide position 416. The cysteine at codon 139 is replaced by phenylalanine, an amino acid with highly dissimilar properties. This amino acid position is conserved. In addition, this alteration is predicted to be deleterious by in silico analysis. Based on the available evidence, the clinical significance of this variant remains unclear.